The following is an entry in ClinVar:

ClinVar aggregate classification (germline): Likely benign. Review status: criteria provided, multiple submitters, no conflicts (2 of 4 stars). 2 submissions from 2 submitters: Likely benign (2). Last evaluated 2025-11-11.

Conditions:
Congenital myasthenic syndrome 8. Also called: Myasthenic syndrome, congenital, 8, with pre- and postsynaptic defects; MYASTHENIC SYNDROME, CONGENITAL, DUE TO AGRIN DEFICIENCY. Identifiers: Orphanet 590, MedGen C3808739, MONDO:0014052, OMIM 615120.

Allele frequency attached by ClinVar (database versions not stated): ExAC 0.00001; gnomAD exomes 0.00001; gnomAD 0.00003 and 0.00004; TOPMed 0.00004; ESP Exome Variant Server 0.00008.
gnomAD v4.1: 13 of 1,611,764 alleles (0.00081%); highest among the groups gnomAD compares: African/African-American, 0.017%; no homozygotes.

Submissions (2):

Labcorp Genetics (formerly Invitae), Labcorp
Classification: Likely benign for Congenital myasthenic syndrome 8. Last evaluated: 2025-11-11. Review status: criteria provided, single submitter. Criteria: Invitae Variant Classification Sherloc (09022015). Collection method: clinical testing. Allele origin: germline.

GeneDx
Classification: Likely benign. Last evaluated: 2016-07-15. Review status: criteria provided, single submitter. Criteria: GeneDx Variant Classification (06012015). Collection method: clinical testing. Allele origin: germline. Affected: yes.
Comment: This variant is considered likely benign or benign based on one or more of the following criteria: it is a conservative change, it occurs at a poorly conserved position in the protein, it is predicted to be benign by multiple in silico algorithms, and/or has population frequency not consistent with disease.

NM_198576.4(AGRN):c.2371+12A>G

Gene: AGRN (agrin; plus strand). Cytogenetic location: 1p36.33.
Variant type: single nucleotide variant.
Coding change: c.2371+12A>G on transcript NM_198576.4 (MANE Select); 12 bases into the intron after coding-DNA position 2371, A replaced by G.
Molecular consequence: intron variant.
Genome position (GRCh38, 1-based): chr1:1,045,289, A>G. VCF-style: chr1-1045289-A-G. GRCh37 (hg19) VCF-style: chr1-980669-A-G.
Other names: c.2371+12A>G (NM_001305275.2); c.2056+12A>G (NM_001364727.2).
Identifiers: ClinVar variation 387477 (VCV000387477.8), dbSNP rs375177822, ClinGen allele CA508595.